The following is an entry in ClinVar:

NM_004795.4(KL):c.2690A>G (p.Glu897Gly)

Gene: KL (klotho; plus strand). Cytogenetic location: 13q13.1.
Variant type: single nucleotide variant.
Coding change: c.2690A>G on transcript NM_004795.4 (MANE Select); coding-DNA position 2690, A replaced by G.
Protein change: p.Glu897Gly; replaces glutamic acid 897 with glycine.
Molecular consequence: missense variant.
Genome position (GRCh38, 1-based): chr13:33,061,769, A>G. VCF-style: chr13-33061769-A-G. GRCh37 (hg19) VCF-style: chr13-33635906-A-G.
Other names: short protein forms E897G.
Identifiers: ClinVar variation 1916516 (VCV001916516.5), dbSNP rs752303558, ClinGen allele CA6944358.

ClinVar aggregate classification (germline): Uncertain significance (1 of 4 stars; one submission).

Allele frequency attached by ClinVar (database versions not stated): gnomAD exomes 0.00001; ExAC 0.00002; gnomAD 0.00005; TOPMed 0.00006.
gnomAD v4.1: 14 of 1,613,436 alleles (0.00087%); highest among the groups gnomAD compares: African/African-American, 0.017%; no homozygotes.

Submission:

Labcorp Genetics (formerly Invitae), Labcorp
Classification: Uncertain significance. Last evaluated: 2025-09-02. Review status: criteria provided, single submitter. Criteria: Invitae Variant Classification Sherloc (09022015). Collection method: clinical testing. Allele origin: germline.
Comment: This sequence change replaces glutamic acid, which is acidic and polar, with glycine, which is neutral and non-polar, at codon 897 of the KL protein (p.Glu897Gly). This variant is present in population databases (rs752303558, gnomAD 0.02%). This variant has not been reported in the literature in individuals affected with KL-related conditions. ClinVar contains an entry for this variant (Variation ID: 1916516). Invitae Evidence Modeling of protein sequence and biophysical properties (such as structural, functional, and spatial information, amino acid conservation, physicochemical variation, residue mobility, and thermodynamic stability) indicates that this missense variant is expected to disrupt KL protein function with a positive predictive value of 80%. In summary, the available evidence is currently insufficient to determine the role of this variant in disease. Therefore, it has been classified as a Variant of Uncertain Significance.